The following is an entry in ClinVar:

ClinVar aggregate classification (germline): Uncertain significance (1 of 4 stars; one submission).

Allele frequency attached by ClinVar (database versions not stated): gnomAD exomes below 0.00001.
gnomAD v4.1: 1 of 1,613,726 alleles (0.000062%); highest among the groups gnomAD compares: Non-Finnish European, 0.000085%; no homozygotes.

Submission:

Labcorp Genetics (formerly Invitae), Labcorp
Classification: Uncertain significance. Last evaluated: 2022-04-23. Review status: criteria provided, single submitter. Criteria: Invitae Variant Classification Sherloc (09022015). Collection method: clinical testing. Allele origin: germline.
Comment: This sequence change replaces proline, which is neutral and non-polar, with leucine, which is neutral and non-polar, at codon 728 of the AUTS2 protein (p.Pro728Leu). This variant is present in population databases (no rsID available, gnomAD 0.0009%). This variant has not been reported in the literature in individuals affected with AUTS2-related conditions. Algorithms developed to predict the effect of missense changes on protein structure and function are either unavailable or do not agree on the potential impact of this missense change (SIFT: "Deleterious"; PolyPhen-2: "Benign"; Align-GVGD: "Class C65"). In summary, the available evidence is currently insufficient to determine the role of this variant in disease. Therefore, it has been classified as a Variant of Uncertain Significance.

NM_015570.4(AUTS2):c.2183C>T (p.Pro728Leu)

Gene: AUTS2 (activator of transcription and developmental regulator AUTS2; plus strand). Cytogenetic location: 7q11.22.
Variant type: single nucleotide variant.
Coding change: c.2183C>T on transcript NM_015570.4 (MANE Select); coding-DNA position 2183, C replaced by T.
Protein change: p.Pro728Leu; replaces proline 728 with leucine.
Molecular consequence: missense variant.
Genome position (GRCh38, 1-based): chr7:70,784,978, C>T. VCF-style: chr7-70784978-C-T. GRCh37 (hg19) VCF-style: chr7-70249964-C-T.
Other names: c.2111C>T, p.Pro704Leu (NM_001127231.3); short protein forms P728L, P704L.
Identifiers: ClinVar variation 2129548 (VCV002129548.4), dbSNP rs1376092925, ClinGen allele CA367663379.